The following is an entry in ClinVar:

NM_005033.3(EXOSC9):c.425A>G (p.Asp142Gly)

Gene: EXOSC9 (exosome component 9; plus strand). Cytogenetic location: 4q27.
Variant type: single nucleotide variant.
Coding change: c.425A>G on transcript NM_005033.3 (MANE Select); coding-DNA position 425, A replaced by G.
Protein change: p.Asp142Gly; replaces aspartic acid 142 with glycine.
Molecular consequence: missense variant.
Genome position (GRCh38, 1-based): chr4:121,804,662, A>G. VCF-style: chr4-121804662-A-G. GRCh37 (hg19) VCF-style: chr4-122725817-A-G.
Other names: c.425A>G (NM_001034194.1); c.425A>G, p.Asp142Gly (NM_001034194.2); short protein forms D142G.
Identifiers: ClinVar variation 1411496 (VCV001411496.7), dbSNP rs1284555906, ClinGen allele CA358042423.

ClinVar aggregate classification (germline): Uncertain significance. Review status: criteria provided, multiple submitters, no conflicts (2 of 4 stars). 2 submissions from 2 submitters: Uncertain significance (2). Last evaluated 2025-12-04.

Conditions:
Inborn genetic diseases. Identifiers: MedGen C0950123, MeSH D030342.

Allele frequency attached by ClinVar (database versions not stated): gnomAD exomes below 0.00001; gnomAD 0.00001; TOPMed 0.00001.
gnomAD v4.1: 27 of 1,606,164 alleles (0.0017%); highest among the groups gnomAD compares: Non-Finnish European, 0.0021%; no homozygotes.

Submissions (2):

Ambry Genetics
Classification: Uncertain significance for Inborn genetic diseases. Last evaluated: 2025-12-04. Review status: criteria provided, single submitter. Criteria: Ambry Variant Classification Scheme 2023. Collection method: clinical testing. Allele origin: germline.

Labcorp Genetics (formerly Invitae), Labcorp
Classification: Uncertain significance. Last evaluated: 2021-08-27. Review status: criteria provided, single submitter. Criteria: Invitae Variant Classification Sherloc (09022015). Collection method: clinical testing. Allele origin: germline.
Comment: This sequence change replaces aspartic acid with glycine at codon 142 of the EXOSC9 protein (p.Asp142Gly). The aspartic acid residue is highly conserved and there is a moderate physicochemical difference between aspartic acid and glycine. This variant is not present in population databases (ExAC no frequency). This variant has not been reported in the literature in individuals affected with EXOSC9-related conditions. Algorithms developed to predict the effect of missense changes on protein structure and function are either unavailable or do not agree on the potential impact of this missense change (SIFT: "Deleterious"; PolyPhen-2: "Benign"; Align-GVGD: "Class C15"). In summary, the available evidence is currently insufficient to determine the role of this variant in disease. Therefore, it has been classified as a Variant of Uncertain Significance.